The following is an entry in ClinVar:

ClinVar aggregate classification (germline): Uncertain significance. Review status: criteria provided, multiple submitters, no conflicts (2 of 4 stars). 2 submissions from 2 submitters: Uncertain significance (2). Last evaluated 2025-12-15.

Conditions:
Inborn genetic diseases. Identifiers: MedGen C0950123, MeSH D030342.

Allele frequency attached by ClinVar (database versions not stated): gnomAD exomes below 0.00001; ExAC 0.00001; gnomAD 0.00001; TOPMed 0.00001.
gnomAD v4.1: 12 of 1,604,556 alleles (0.00075%); highest among the groups gnomAD compares: Admixed American, 0.0017%; no homozygotes.

Submissions (2):

Ambry Genetics
Classification: Uncertain significance for Inborn genetic diseases. Last evaluated: 2025-12-15. Review status: criteria provided, single submitter. Criteria: Ambry Variant Classification Scheme 2023. Collection method: clinical testing. Allele origin: germline.

GeneDx
Classification: Uncertain significance. Last evaluated: 2021-01-05. Review status: criteria provided, single submitter. Criteria: GeneDx Variant Classification Process June 2021. Collection method: clinical testing. Allele origin: germline. Affected: yes.
Comment: In silico analysis supports that this missense variant has a deleterious effect on protein structure/function; Has not been previously published as pathogenic or benign to our knowledge

NM_007118.4(TRIO):c.6629C>T (p.Pro2210Leu)

Gene: TRIO (trio Rho guanine nucleotide exchange factor; plus strand). Cytogenetic location: 5p15.2.
Variant type: single nucleotide variant.
Coding change: c.6629C>T on transcript NM_007118.4 (MANE Select); coding-DNA position 6629, C replaced by T.
Protein change: p.Pro2210Leu; replaces proline 2210 with leucine.
Molecular consequence: missense variant. On other transcripts: non-coding transcript variant (1).
Genome position (GRCh38, 1-based): chr5:14,482,745, C>T. VCF-style: chr5-14482745-C-T. GRCh37 (hg19) VCF-style: chr5-14482854-C-T.
Other names: short protein forms P2210L.
Identifiers: ClinVar variation 1313778 (VCV001313778.3), dbSNP rs750016484, ClinGen allele CA3207176.
Genomic context (GRCh38, chr5:14,482,745, plus strand): 5'-TCTTTGAGCAGATCGTCATATTCAGCGAACCACTTGATAAAAAGAAGGGCTTCTCCATGC[C>T]GGGATTCCTGTTTAAGAACAGTATCAAGGTAACGTGTGTCTCTGTGTGATTTCTCTGTGC-3'
Protein context (NP_009049.2, residues 2200-2220): PLDKKKGFSM[Pro2210Leu]GFLFKNSIKV